The following is an entry in ClinVar:

NM_000138.5(FBN1):c.3616G>T (p.Gly1206Cys)

Gene: FBN1 (fibrillin 1; minus strand). Cytogenetic location: 15q21.1.
Variant type: single nucleotide variant.
Coding change: c.3616G>T on transcript NM_000138.5 (MANE Select); coding-DNA position 3616, G replaced by T.
Protein change: p.Gly1206Cys; replaces glycine 1206 with cysteine.
Molecular consequence: missense variant.
Genome position (GRCh38, 1-based): chr15:48,485,470, C>A on the plus strand (G>T on the coding strand, the complement: FBN1 is on the minus strand). VCF-style: chr15-48485470-C-A. GRCh37 (hg19) VCF-style: chr15-48777667-C-A.
Other names: short protein forms G1206C.
Identifiers: ClinVar variation 1459733 (VCV001459733.6), dbSNP rs1555398411, ClinGen allele CA392324629.

ClinVar aggregate classification (germline): Pathogenic (1 of 4 stars; one submission).

Conditions:
Marfan syndrome (MFS). Also called: MARFAN SYNDROME, TYPE I; Marfan syndrome type 1; Marfan's syndrome; Marfan syndrome, classic; FBN1-Related Marfan Syndrome. Identifiers: Orphanet 284963, Orphanet 558, MedGen C0024796, MONDO:0007947, OMIM 154700.
Familial thoracic aortic aneurysm and aortic dissection (TAAD). Also called: Thoracic aortic aneurysms and dissections. Identifiers: Orphanet 91387, MedGen C4707243, MONDO:0019625.

Submission:

Labcorp Genetics (formerly Invitae), Labcorp
Classification: Pathogenic for Marfan syndrome; Familial thoracic aortic aneurysm and aortic dissection. Last evaluated: 2021-08-01. Review status: criteria provided, single submitter. Criteria: Invitae Variant Classification Sherloc (09022015). Collection method: clinical testing. Allele origin: germline.
Comment: For these reasons, this variant has been classified as Pathogenic. This sequence change replaces glycine with cysteine at codon 1206 of the FBN1 protein (p.Gly1206Cys). The glycine residue is highly conserved and there is a large physicochemical difference between glycine and cysteine. This variant is not present in population databases (ExAC no frequency). This missense change has been observed in individuals with clinical features of Marfan syndrome (PMID: 27906200; Invitae). Advanced modeling of protein sequence and biophysical properties (such as structural, functional, and spatial information, amino acid conservation, physicochemical variation, residue mobility, and thermodynamic stability) performed at Invitae indicates that this missense variant is expected to disrupt FBN1 protein function. This variant disrupts the p.Gly1206 amino acid residue in FBN1. Other variant(s) that disrupt this residue have been determined to be pathogenic (Invitae). This suggests that this residue is clinically significant, and that variants that disrupt this residue are likely to be disease-causing.

Literature cited by the submitters: PubMed 27906200.